The following is an entry in ClinVar:

NM_000059.4(BRCA2):c.1703C>T (p.Thr568Ile)

Gene: BRCA2 (BRCA2 DNA repair associated; plus strand). Cytogenetic location: 13q13.1.
Variant type: single nucleotide variant.
Coding change: c.1703C>T on transcript NM_000059.4 (MANE Select); coding-DNA position 1703, C replaced by T.
Protein change: p.Thr568Ile; replaces threonine 568 with isoleucine.
Molecular consequence: missense variant.
Genome position (GRCh38, 1-based): chr13:32,333,181, C>T. VCF-style: chr13-32333181-C-T. GRCh37 (hg19) VCF-style: chr13-32907318-C-T.
Other names: short protein forms T568I.
Identifiers: ClinVar variation 954396 (VCV000954396.14), dbSNP rs2072420088, ClinGen allele CA387765254.

ClinVar aggregate classification (germline): Conflicting classifications of pathogenicity. Review status: criteria provided, conflicting classifications (1 of 4 stars). 4 submissions from 4 submitters: Uncertain significance (3); Likely benign (1). Last evaluated 2024-04-26.

Conditions:
Hereditary cancer-predisposing syndrome. Also called: Hereditary neoplastic syndrome; Tumor predisposition; Neoplastic Syndromes, Hereditary; Hereditary Cancer Syndrome. Identifiers: Orphanet 140162, MedGen C0027672, MeSH D009386, MONDO:0015356.
Hereditary breast ovarian cancer syndrome. Also called: Hereditary breast and ovarian cancer; Hereditary breast and/or ovarian cancer syndrome; Hereditary breast and ovarian cancer syndrome; Hereditary breast and ovarian cancer syndrome (HBOC); Breast and ovarian cancer; BRCA1- and BRCA2-Associated Hereditary Breast and Ovarian Cancer. Identifiers: Orphanet 145, MedGen C0677776, MeSH D061325, MONDO:0003582. Disease mechanism: loss of function.
Familial colorectal cancer type X. Identifiers: Orphanet 440437, MedGen C3896578, MONDO:0018604.

Allele frequency attached by ClinVar (database versions not stated): gnomAD exomes below 0.00001; TOPMed below 0.00001.
gnomAD v4.1: 1 of 1,613,976 alleles (0.000062%); highest among the groups gnomAD compares: Non-Finnish European, 0.000085%; no homozygotes.

Submissions (4):

Department of Pathology and Laboratory Medicine, Sinai Health System
Classification: Uncertain significance for Familial colorectal cancer type X. Last evaluated: 2024-04-26. Review status: criteria provided, single submitter. Criteria: ACMG Guidelines, 2015. Collection method: clinical testing. Allele origin: germline. Affected: yes.

University of Washington Department of Laboratory Medicine, University of Washington
Classification: Likely benign for Hereditary cancer-predisposing syndrome. Last evaluated: 2023-03-23. Review status: criteria provided, single submitter. Criteria: Dines et al. (Genet Med. 2020). Collection method: curation. Allele origin: germline.
Comment: Missense variant in a coldspot region where missense variants are very unlikely to be pathogenic (PMID:31911673).

BRCA2 exon 10 coldspot. Reclassification based on statistical prior probability.

Color Diagnostics, LLC DBA Color Health
Classification: Uncertain significance for Hereditary cancer-predisposing syndrome. Last evaluated: 2021-01-20. Review status: criteria provided, single submitter. Criteria: ACMG Guidelines, 2015. Collection method: clinical testing. Allele origin: germline.
Comment: This missense variant replaces threonine with isoleucine at codon 568 of the BRCA2 protein. Computational prediction suggests that this variant may not impact protein structure and function (internally defined REVEL score threshold <= 0.5, PMID: 27666373). To our knowledge, functional studies have not been reported for this variant. This variant has been reported in individuals affected with breast cancer (PMID: 28664449). This variant has not been identified in the general population by the Genome Aggregation Database (gnomAD). The available evidence is insufficient to determine the role of this variant in disease conclusively. Therefore, this variant is classified as a Variant of Uncertain Significance.

Labcorp Genetics (formerly Invitae), Labcorp
Classification: Uncertain significance for Hereditary breast ovarian cancer syndrome. Last evaluated: 2019-09-24. Review status: criteria provided, single submitter. Criteria: Invitae Variant Classification Sherloc (09022015). Collection method: clinical testing. Allele origin: germline.
Comment: In summary, the available evidence is currently insufficient to determine the role of this variant in disease. Therefore, it has been classified as a Variant of Uncertain Significance. Algorithms developed to predict the effect of missense changes on protein structure and function output the following: SIFT: "Tolerated"; PolyPhen-2: "Benign"; Align-GVGD: "Class C0". The isoleucine amino acid residue is found in multiple mammalian species, suggesting that this missense change does not adversely affect protein function. These predictions have not been confirmed by published functional studies and their clinical significance is uncertain. This variant has been observed in an individual affected with breast cancer (PMID: 28664449). This variant is not present in population databases (ExAC no frequency). This sequence change replaces threonine with isoleucine at codon 568 of the BRCA2 protein (p.Thr568Ile). The threonine residue is weakly conserved and there is a moderate physicochemical difference between threonine and isoleucine.

Literature cited by the submitters: PubMed 32467295 (cited by Department of Pathology and Laboratory Medicine, Sinai Health System); PubMed 33471991 (cited by Department of Pathology and Laboratory Medicine, Sinai Health System); PubMed 28664449 (cited by Department of Pathology and Laboratory Medicine, Sinai Health System and Labcorp Genetics (formerly Invitae), Labcorp).